The following is an entry in ClinVar:

NM_022725.4(FANCF):c.67G>T (p.Val23Phe)

Gene: FANCF (FA complementation group F; minus strand). Cytogenetic location: 11p14.3.
Variant type: single nucleotide variant.
Coding change: c.67G>T on transcript NM_022725.4 (MANE Select); coding-DNA position 67, G replaced by T.
Protein change: p.Val23Phe; replaces valine 23 with phenylalanine.
Molecular consequence: missense variant.
Genome position (GRCh38, 1-based): chr11:22,625,744, C>A on the plus strand (G>T on the coding strand, the complement: FANCF is on the minus strand). VCF-style: chr11-22625744-C-A. GRCh37 (hg19) VCF-style: chr11-22647290-C-A.
Other names: short protein forms V23F.
Identifiers: ClinVar variation 408147 (VCV000408147.10), dbSNP rs777143902, ClinGen allele CA5924445.

ClinVar aggregate classification (germline): Uncertain significance. Review status: criteria provided, multiple submitters, no conflicts (2 of 4 stars). 4 submissions from 4 submitters: Uncertain significance (4). Last evaluated 2026-08-06.

Conditions:
Inborn genetic diseases. Identifiers: MedGen C0950123, MeSH D030342.
Fanconi anemia complementation group F. Also called: FANCF-Related Fanconi Anemia. Identifiers: Orphanet 84, MedGen C3469526, MONDO:0011325, OMIM 603467.
Monogenic short statue.
Fanconi anemia (FA). Also called: Fanconi's anemia. Identifiers: Orphanet 84, MedGen C0015625, MeSH D005199, MONDO:0019391.

Allele frequency attached by ClinVar (database versions not stated): gnomAD exomes 0.00002; ExAC 0.00003; gnomAD 0.00003; TOPMed 0.00005.
gnomAD v4.1: 108 of 1,614,040 alleles (0.0067%); highest among the groups gnomAD compares: Non-Finnish European, 0.0087%; no homozygotes.

Submissions (4):

NHS Central & South Genomic Laboratory Hub
Classification: Uncertain significance for Monogenic short statue. Last evaluated: 2026-08-06. Review status: criteria provided, single submitter. Criteria: ACMG Guidelines, 2015. Collection method: clinical testing. Allele origin: germline. Affected: yes.

Ambry Genetics
Classification: Uncertain significance for Inborn genetic diseases. Last evaluated: 2025-06-03. Review status: criteria provided, single submitter. Criteria: Ambry Variant Classification Scheme 2023. Collection method: clinical testing. Allele origin: germline.

Fulgent Genetics
Classification: Uncertain significance for Fanconi anemia complementation group F. Last evaluated: 2024-03-21. Review status: criteria provided, single submitter. Criteria: ACMG Guidelines, 2015. Collection method: clinical testing. Allele origin: germline.

Labcorp Genetics (formerly Invitae), Labcorp
Classification: Uncertain significance for Fanconi anemia. Last evaluated: 2022-07-14. Review status: criteria provided, single submitter. Criteria: Invitae Variant Classification Sherloc (09022015). Collection method: clinical testing. Allele origin: germline.
Comment: This sequence change replaces valine, which is neutral and non-polar, with phenylalanine, which is neutral and non-polar, at codon 23 of the FANCF protein (p.Val23Phe). This variant is present in population databases (rs777143902, gnomAD 0.006%). This variant has not been reported in the literature in individuals affected with FANCF-related conditions. ClinVar contains an entry for this variant (Variation ID: 408147). Algorithms developed to predict the effect of missense changes on protein structure and function (SIFT, PolyPhen-2, Align-GVGD) all suggest that this variant is likely to be disruptive. In summary, the available evidence is currently insufficient to determine the role of this variant in disease. Therefore, it has been classified as a Variant of Uncertain Significance.